The following is an entry in ClinVar:

ClinVar aggregate classification (germline): Likely benign (1 of 4 stars; one submission).

Allele frequency attached by ClinVar (database versions not stated): TOPMed 0.00001.

Submission:

CeGaT Center for Human Genetics Tuebingen
Classification: Likely benign. Last evaluated: 2022-07-01. Review status: criteria provided, single submitter. Criteria: CeGaT Center For Human Genetics Tuebingen Variant Classification Criteria Version 2. Collection method: clinical testing. Allele origin: germline. Affected: yes. Observed: 1 variant allele.
Comment: AMBN: BP4, BP7

NM_016519.6(AMBN):c.1305C>T (p.Pro435=)

Gene: AMBN (ameloblastin; plus strand). Cytogenetic location: 4q13.3.
Variant type: single nucleotide variant.
Coding change: c.1305C>T on transcript NM_016519.6 (MANE Select); coding-DNA position 1305, C replaced by T.
Protein change: p.Pro435=; no amino-acid change (proline 435 retained).
Molecular consequence: synonymous variant.
Genome position (GRCh38, 1-based): chr4:70,606,691, C>T. VCF-style: chr4-70606691-C-T. GRCh37 (hg19) VCF-style: chr4-71472408-C-T.
Identifiers: ClinVar variation 2654797 (VCV002654797.24), dbSNP rs201142712, ClinGen allele CA99025024.